The following is an entry in ClinVar:

NM_000806.5(GABRA1):c.-442dup

Gene: GABRA1 (gamma-aminobutyric acid type A receptor subunit alpha1; plus strand). Cytogenetic location: 5q34.
Variant type: Duplication.
Coding change: c.-442dup on transcript NM_000806.5; 442 bases upstream of the start codon, one base duplicated (G; older notation c.-442dupG).
Molecular consequence: 5 prime UTR variant.
Genome position (GRCh38, 1-based): chr5:161,847,217, G duplicated; the last of 8 consecutive G bases (chr5:161,847,210-161,847,217); duplicating any one gives the same sequence. VCF-style (leftmost placement, unchanged base first): chr5-161847209-A-AG. GRCh37 (hg19) VCF-style: chr5-161274215-A-AG.
Identifiers: ClinVar variation 352580 (VCV000352580.35), dbSNP rs201310567, ClinGen allele CA10621170.

ClinVar aggregate classification (germline): Likely benign (1 of 4 stars; one submission).

Submission:

CeGaT Center for Human Genetics Tuebingen
Classification: Likely benign. Last evaluated: 2023-03-01. Review status: criteria provided, single submitter. Criteria: CeGaT Center For Human Genetics Tuebingen Variant Classification Criteria Version 2. Collection method: clinical testing. Allele origin: germline. Affected: yes. Observed: 7 variant alleles.
Comment: GABRA1: BS1